The following is an entry in ClinVar:

ClinVar aggregate classification (germline): Conflicting classifications of pathogenicity. Review status: criteria provided, conflicting classifications (1 of 4 stars). 7 submissions from 5 submitters: Uncertain significance (2); Benign (2); Likely benign (2). 1 of the submissions does not count toward it. Last evaluated 2024-09-14.

Conditions:
Hereditary pheochromocytoma and paraganglioma. Also called: Hereditary paragangliomas and pheochromocytomas; Hereditary Paraganglioma-Pheochromocytoma Syndromes; Hereditary pheochromocytoma-paraganglioma. Identifiers: Orphanet 29072, MedGen C4274332, MONDO:0017366.
Leigh syndrome (NULS). Also called: Leigh's syndrome; Leigh Disease; Subacute necrotizing encephalopathy; Necrotizing encephalopathy infantile subacute of Leigh; Leigh Syndrome (mtDNA deletion); Leigh's necrotizing encephalopathy. Identifiers: Orphanet 506, MedGen C2931891, MONDO:0009723, OMIM 256000.
Mitochondrial complex II deficiency, nuclear type 1. Also called: SUCCINATE CoQ REDUCTASE DEFICIENCY. Identifiers: Orphanet 3208, MedGen C5700310, MONDO:0100294, OMIM 252011.
Hereditary cancer-predisposing syndrome. Also called: Tumor predisposition; Neoplastic Syndromes, Hereditary; Hereditary neoplastic syndrome; Hereditary Cancer Syndrome. Identifiers: Orphanet 140162, MedGen C0027672, MeSH D009386, MONDO:0015356.
Pheochromocytoma/paraganglioma syndrome 5. Also called: SDHA-Related Hereditary Paraganglioma-Pheochromocytoma Syndrome; Paragangliomas 5. Identifiers: Orphanet 29072, MedGen C3279992, MONDO:0013602, OMIM 614165.

Allele frequency attached by ClinVar (database versions not stated): ESP Exome Variant Server 0.00023; gnomAD 0.00025; TOPMed 0.00027; ExAC 0.00029; gnomAD exomes 0.00037.
gnomAD v4.1: 348 of 1,613,708 alleles (0.022%); highest among the groups gnomAD compares: Middle Eastern, 0.016%; 3 homozygotes.

Submissions (7):

Blueprint Genetics
Classification: Likely benign. Last evaluated: 2024-09-14. Review status: criteria provided, single submitter. Criteria: ACMG Guidelines, 2015. Collection method: clinical testing. Allele origin: germline.

Sema4
Classification: Benign for Hereditary cancer-predisposing syndrome. Last evaluated: 2020-10-23. Review status: criteria provided, single submitter. Criteria: Sema4 Curation Guidelines. Collection method: curation. Allele origin: germline.

Illumina Laboratory Services, Illumina
Classification: Uncertain significance for Leigh syndrome. Last evaluated: 2018-01-13. Review status: criteria provided, single submitter. Criteria: ICSL Variant Classification Criteria 13 December 2019. Collection method: clinical testing. Allele origin: germline.

Illumina Laboratory Services, Illumina
Classification: Benign for Hereditary Paraganglioma-Pheochromocytoma Syndromes. Last evaluated: 2018-01-13. Review status: criteria provided, single submitter. Criteria: ICSL Variant Classification Criteria 13 December 2019. Collection method: clinical testing. Allele origin: germline.
Comment: This variant was observed in the ICSL laboratory as part of a predisposition screen in an ostensibly healthy population. It had not been previously curated by ICSL or reported in the Human Gene Mutation Database (HGMD: prior to June 1st, 2018), and was therefore a candidate for classification through an automated scoring system. Utilizing variant allele frequency, disease prevalence and penetrance estimates, and inheritance mode, an automated score was calculated to assess if this variant is too frequent to cause the disease. Based on the score and internal cut-off values, a variant classified as benign is not then subjected to further curation. The score for this variant resulted in a classification of benign for this disease.

Illumina Laboratory Services, Illumina
Classification: Uncertain significance for Mitochondrial complex II deficiency, nuclear type 1. Last evaluated: 2018-01-13. Review status: criteria provided, single submitter. Criteria: ICSL Variant Classification Criteria 13 December 2019. Collection method: clinical testing. Allele origin: germline.

GeneDx
Classification: Likely benign. Last evaluated: 2016-10-31. Review status: criteria provided, single submitter. Criteria: GeneDx Variant Classification (06012015). Collection method: clinical testing. Allele origin: germline. Affected: yes.
Comment: This variant is considered likely benign or benign based on one or more of the following criteria: it is a conservative change, it occurs at a poorly conserved position in the protein, it is predicted to be benign by multiple in silico algorithms, and/or has population frequency not consistent with disease.

Counsyl
Classification: Likely benign for Pheochromocytoma/paraganglioma syndrome 5. Last evaluated: 2018-01-24. Review status: no assertion criteria provided. Collection method: clinical testing. Allele origin: unknown. Not counted in ClinVar's aggregate classification.

NM_004168.4(SDHA):c.895+13G>A

Gene: SDHA (succinate dehydrogenase complex flavoprotein subunit A; plus strand). Cytogenetic location: 5p15.33.
Variant type: single nucleotide variant.
Coding change: c.895+13G>A on transcript NM_004168.4 (MANE Select); 13 bases into the intron after coding-DNA position 895, G replaced by A.
Molecular consequence: intron variant.
Genome position (GRCh38, 1-based): chr5:231,013, G>A. VCF-style: chr5-231013-G-A. GRCh37 (hg19) VCF-style: chr5-231128-G-A.
Other names: c.895+13G>A (NM_001330758.2); c.751+13G>A (NM_001294332.2).
Identifiers: ClinVar variation 390626 (VCV000390626.8), dbSNP rs201461936, ClinGen allele CA3173017.